The following is an entry in ClinVar:

NM_006348.5(COG5):c.880G>T (p.Ala294Ser)

Gene: COG5 (component of oligomeric golgi complex 5; minus strand). Cytogenetic location: 7q22.3.
Variant type: single nucleotide variant.
Coding change: c.880G>T on transcript NM_006348.5 (MANE Select); coding-DNA position 880, G replaced by T.
Protein change: p.Ala294Ser; replaces alanine 294 with serine.
Molecular consequence: missense variant. On other transcripts: intron variant (2).
Genome position (GRCh38, 1-based): chr7:107,362,376, C>A on the plus strand (G>T on the coding strand, the complement: COG5 is on the minus strand). VCF-style: chr7-107362376-C-A. GRCh37 (hg19) VCF-style: chr7-107002821-C-A.
Other names: c.880G>T, p.Ala294Ser (NM_001161520.2, NM_001379511.1, NM_001379512.1 and 3 more transcripts); c.235-266G>T (NM_001379516.1); c.539-64030G>T (NM_001379515.1); short protein forms A294S.
Identifiers: ClinVar variation 1353609 (VCV001353609.4), dbSNP rs745832481, ClinGen allele CA4431075.

ClinVar aggregate classification (germline): Uncertain significance (1 of 4 stars; one submission).

Conditions:
COG5-congenital disorder of glycosylation. Also called: CONGENITAL DISORDER OF GLYCOSYLATION, TYPE IIi; CDG IIi; COG5-CDG. Identifiers: Orphanet 263487, MedGen C3150876, MONDO:0013325, OMIM 613612.

Allele frequency attached by ClinVar (database versions not stated): gnomAD exomes 0.00001; ExAC 0.00002.
gnomAD v4.1: 12 of 1,613,948 alleles (0.00074%); highest among the groups gnomAD compares: Middle Eastern, 0.033%; no homozygotes.

Submission:

Labcorp Genetics (formerly Invitae), Labcorp
Classification: Uncertain significance for COG5-congenital disorder of glycosylation. Last evaluated: 2022-11-22. Review status: criteria provided, single submitter. Criteria: Invitae Variant Classification Sherloc (09022015). Collection method: clinical testing. Allele origin: germline.
Comment: In summary, the available evidence is currently insufficient to determine the role of this variant in disease. Therefore, it has been classified as a Variant of Uncertain Significance. Advanced modeling of protein sequence and biophysical properties (such as structural, functional, and spatial information, amino acid conservation, physicochemical variation, residue mobility, and thermodynamic stability) performed at Invitae indicates that this missense variant is not expected to disrupt COG5 protein function. ClinVar contains an entry for this variant (Variation ID: 1353609). This variant has not been reported in the literature in individuals affected with COG5-related conditions. This variant is present in population databases (rs745832481, gnomAD 0.003%). This sequence change replaces alanine, which is neutral and non-polar, with serine, which is neutral and polar, at codon 325 of the COG5 protein (p.Ala325Ser).